The following is an entry in ClinVar:

NM_000039.3(APOA1):c.74A>G (p.Asp25Gly)

Genes: APOA1 (apolipoprotein A1; minus strand), APOA1-AS (APOA1 antisense RNA; plus strand). Cytogenetic location: 11q23.3.
Variant type: single nucleotide variant.
Coding change: c.74A>G on transcript NM_000039.3 (MANE Select); coding-DNA position 74, A replaced by G.
Protein change: p.Asp25Gly; replaces aspartic acid 25 with glycine.
Molecular consequence: missense variant. On other transcripts: 5 prime UTR variant (1), intron variant (2).
Genome position (GRCh38, 1-based): chr11:116,837,127, T>C on the plus strand (A>G on the coding strand, the complement: APOA1 is on the minus strand). VCF-style: chr11-116837127-T-C. GRCh37 (hg19) VCF-style: chr11-116707843-T-C.
Other names: c.74A>G, p.Asp25Gly (NM_001318017.2, NM_001318018.2, NM_001425090.1 and 1 more transcripts); c.-254A>G (NM_001425092.1); c.-128+218A>G (NM_001425091.1); c.-240-14A>G (NM_001318021.2); short protein forms D25G.
Identifiers: ClinVar variation 1720271 (VCV001720271.6), dbSNP rs1223595170, ClinGen allele CA382721235.
Genomic context (GRCh38, chr11:116,837,127, plus strand): 5'-ACATCCACGTACACAGTGGCCAGGTCCTTCACTCGATCCCAGGGGCTCTGGGGGGGTTCA[T>C]CTTGCTGCCAGAAATGCCGAGCCTGGCTCCCTGAGGGTGGGAGGGGAGACCCAGATCAGG-3'
Protein context (NP_000030.1, residues 15-35): GSQARHFWQQ[Asp25Gly]EPPQSPWDRV

ClinVar aggregate classification (germline): Uncertain significance (1 of 4 stars; one submission).

Submission:

Labcorp Genetics (formerly Invitae), Labcorp
Classification: Uncertain significance. Last evaluated: 2022-09-24. Review status: criteria provided, single submitter. Criteria: Invitae Variant Classification Sherloc (09022015). Collection method: clinical testing. Allele origin: germline.
Comment: This sequence change replaces aspartic acid, which is acidic and polar, with glycine, which is neutral and non-polar, at codon 25 of the APOA1 protein (p.Asp25Gly). This variant is present in population databases (no rsID available, gnomAD no frequency). This variant has not been reported in the literature in individuals affected with APOA1-related conditions. Algorithms developed to predict the effect of missense changes on protein structure and function are either unavailable or do not agree on the potential impact of this missense change (SIFT: "Not Available"; PolyPhen-2: "Probably Damaging"; Align-GVGD: "Not Available"). In summary, the available evidence is currently insufficient to determine the role of this variant in disease. Therefore, it has been classified as a Variant of Uncertain Significance.